The following is an entry in ClinVar:

NM_001166108.2(PALLD):c.2281C>T (p.Leu761Phe)

Genes: CBR4 (carbonyl reductase 4; minus strand), PALLD (palladin, cytoskeletal associated protein; plus strand). Cytogenetic location: 4q32.3.
Variant type: single nucleotide variant.
Coding change: c.2281C>T on transcript NM_001166108.2 (MANE Select); coding-DNA position 2281, C replaced by T.
Protein change: p.Leu761Phe; replaces leucine 761 with phenylalanine.
Molecular consequence: missense variant.
Genome position (GRCh38, 1-based): chr4:168,898,523, C>T. VCF-style: chr4-168898523-C-T. GRCh37 (hg19) VCF-style: chr4-169819674-C-T.
Other names: c.1084C>T, p.Leu362Phe (NM_001166109.2); c.769C>T, p.Leu257Phe (NM_001166110.2); c.109C>T, p.Leu37Phe (NM_001367567.1, NM_001367569.1); c.160C>T, p.Leu54Phe (NM_001367568.1, NM_001367570.1); c.2230C>T, p.Leu744Phe (NM_016081.4); short protein forms L257F, L744F, L362F, L37F, L761F, L54F.
Identifiers: ClinVar variation 3885343 (VCV003885343.1).
Genomic context (GRCh38, chr4:168,898,523, plus strand): 5'-GTCTGCTAACTTAAACTTTCCTTGATTCAGGAATACAAAGTCTCCAGCTGTGAACAGAGA[C>T]TCATCAGTGAAATAGAGTACAGGCTAGAAAGGTCTCCTGTGGATGAATCAGGTGATGAAG-3'
Protein context (NP_001159580.1, residues 751-771): EYKVSSCEQR[Leu761Phe]ISEIEYRLER

ClinVar aggregate classification (germline): Uncertain significance (1 of 4 stars; one submission).

gnomAD v4.1: 4 of 1,613,450 alleles (0.00025%); highest among the groups gnomAD compares: Non-Finnish European, 0.00034%; no homozygotes.

Submission:

Ambry Genetics
Classification: Uncertain significance. Last evaluated: 2025-02-15. Review status: criteria provided, single submitter. Criteria: Ambry Variant Classification Scheme 2023. Collection method: clinical testing. Allele origin: germline.
Comment: The p.L257F variant (also known as c.769C>T), located in coding exon 4 of the PALLD gene, results from a C to T substitution at nucleotide position 769. The leucine at codon 257 is replaced by phenylalanine, an amino acid with highly similar properties. This amino acid position is conserved. In addition, the in silico prediction for this alteration is inconclusive. Based on the available evidence, the clinical significance of this variant remains unclear.